The following is an entry in ClinVar:

ClinVar aggregate classification (germline): Uncertain significance. Review status: criteria provided, multiple submitters, no conflicts (2 of 4 stars). 2 submissions from 2 submitters: Uncertain significance (2). Last evaluated 2025-12-11.

Conditions:
STIM1-related disorder. Also called: STIM1-related condition.

Submissions (2):

PreventionGenetics, part of Exact Sciences
Classification: Uncertain significance for STIM1-related condition. Last evaluated: 2025-12-11. Review status: criteria provided, single submitter. Criteria: ACMG Guidelines, 2015. Collection method: clinical testing. Allele origin: germline.
Comment: The STIM1 c.1707_1715del9 variant is predicted to result in an in-frame deletion (p.Thr574_Thr576del). This variant is referred to as c.1541+166_1541+174del9 (Intronic) in the alternate transcript NM_003156. To our knowledge, this variant has not been reported in the literature. This variant is reported in 0.0081% of alleles in individuals of Latino descent in gnomAD. At this time, the clinical significance of this variant is uncertain due to the absence of conclusive functional and genetic evidence.

GeneDx
Classification: Uncertain significance. Last evaluated: 2023-04-18. Review status: criteria provided, single submitter. Criteria: GeneDx Variant Classification Process June 2021. Collection method: clinical testing. Allele origin: germline. Affected: yes.
Comment: Reported using an alternate transcript of the gene; In-frame deletion of 3 amino acids in a repetitive region with no known function; Has not been previously published as pathogenic or benign to our knowledge

NM_001382567.1(STIM1):c.1634+166_1634+174del

Gene: STIM1 (stromal interaction molecule 1; plus strand). Cytogenetic location: 11p15.4.
Variant type: Deletion.
Coding change: c.1634+166_1634+174del on transcript NM_001382567.1 (MANE Select); bases 166 to 174 of the intron after coding-DNA position 1634, 9 bases deleted (TACCACCAC; older notation c.1634+166_1634+174delTACCACCAC).
Molecular consequence: intron variant. On other transcripts: inframe deletion (2).
Genome position (GRCh38, 1-based): chr11:4,086,709-4,086,717, TACCACCAC deleted; deleting any 9 consecutive bases within chr11:4,086,703-4,086,717 gives the same sequence; the c. name uses the placement nearest the transcript's 3' end. VCF-style (leftmost placement, unchanged base first): chr11-4086702-TCACCACTAC-T. GRCh37 (hg19) VCF-style: chr11-4107932-TCACCACTAC-T.
Other names: c.1707_1715del, p.Thr574_Thr576del (NM_001277961.3); c.1485_1493del, p.Thr500_Thr502del (NM_001382566.1); c.1319+166_1319+174del (NM_001382578.1, NM_001382575.1, NM_001382576.1 and 2 more transcripts); c.1052+166_1052+174del (NM_001382580.1, NM_001382581.1); c.1562+166_1562+174del (NM_001382568.1); c.1541+166_1541+174del (NM_001277962.2, NM_003156.4); c.1313+166_1313+174del (NM_001382570.1); c.1406+166_1406+174del (NM_001382569.1); and 2 more.
Identifiers: ClinVar variation 2662057 (VCV002662057.2), dbSNP rs1179754918, ClinGen allele CA597434495.